The following is an entry in ClinVar:

ClinVar aggregate classification (germline): Conflicting classifications of pathogenicity. Review status: criteria provided, conflicting classifications (1 of 4 stars). 9 submissions from 9 submitters: Pathogenic (1); Likely pathogenic (1); Uncertain significance (6). 1 of the submissions does not count toward it. Last evaluated 2025-08-19.

Conditions:
TERT-related disorder. Also called: TERT-related condition; TERT-related disorders.
Dyskeratosis congenita, autosomal dominant 2. Identifiers: MedGen C3151443, MONDO:0013521, OMIM 613989.
Idiopathic Pulmonary Fibrosis. Also called: Idiopathic fibrosing alveolitis, chronic form; idiopathic fibrosing alveolitis. Identifiers: Orphanet 2032, MedGen C1800706, MeSH D054990, MONDO:0800504.
Pulmonary fibrosis. Identifiers: MedGen C0034069, MONDO:0002771, HP:0002206.
Pulmonary fibrosis and/or bone marrow failure, Telomere-related, 1. Also called: PULMONARY FIBROSIS AND/OR BONE MARROW FAILURE SYNDROME, TELOMERE-RELATED, 1. Identifiers: Orphanet 88, MedGen C3553617, MONDO:0013878, OMIM 614742.
Dyskeratosis congenita. Identifiers: Orphanet 1775, MedGen C0265965, MONDO:0015780.

Allele frequency attached by ClinVar (database versions not stated): gnomAD exomes below 0.00001; TOPMed below 0.00001; gnomAD 0.00001.
gnomAD v4.1: 2 of 1,614,184 alleles (0.00012%); highest among the groups gnomAD compares: Non-Finnish European, 0.000085%; no homozygotes.

Submissions (9):

Variantyx, Inc.
Classification: Likely pathogenic for Pulmonary fibrosis and/or bone marrow failure, Telomere-related, 1. Last evaluated: 2025-08-19. Review status: criteria provided, single submitter. Criteria: Variantyx Assertion Criteria 2022. Collection method: clinical testing. Allele origin: germline. Inheritance: Semidominant inheritance. Affected: yes.
Comment: This is a nonsynonymous variant in the TERT gene (OMIM: 187270). Pathogenic variants in this gene have been associated with autosomal semidominant TERT-related disorders. This variant has been reported in at least 3 unrelated affected individuals (PMID: 28099038, 33718801, 25393420) (PS4_Moderate). In addition, this variant has been reported in an individual with pulmonary fibrosis who carried an additional uncertain variant in this gene (PMID: 30995915) and in two related individuals with Coats plus syndrome (DOI : 10.29245/2690-0009/2019/3.1107). The clinical symptoms reported for this individual are highly specific for autosomal semidominant TERT-related disorders, which has a limited genetic etiology (PP4). Functional studies have shown that this TERT variant correlates with likely altered TERT protein function based on abnormally short telomere length in the current individual as measured by flow cytometry and FISH on peripheral blood cells (per Molecular Diagnostic Laboratory report provided by Johns Hopkins Genomics) (PS3). Multiple computational algorithms predict a deleterious effect for this variant (REVEL score: 0.706) (PP3). This variant has a 0.0003% maximum allele frequency in non-founder control populations (PM2). Based on the current evidence, this variant is classified as likely pathogenic for autosomal semidominant TERT-related disorders.

CeGaT Center for Human Genetics Tuebingen
Classification: Uncertain significance. Last evaluated: 2025-05-01. Review status: criteria provided, single submitter. Criteria: CeGaT Center For Human Genetics Tuebingen Variant Classification Criteria Version 2. Collection method: clinical testing. Allele origin: germline. Affected: yes. Observed: 1 variant allele.
Comment: TERT: PM2, PS4:Moderate

Labcorp Genetics (formerly Invitae), Labcorp
Classification: Uncertain significance for Dyskeratosis congenita, autosomal dominant 2; Idiopathic Pulmonary Fibrosis. Last evaluated: 2025-03-13. Review status: criteria provided, single submitter. Criteria: Invitae Variant Classification Sherloc (09022015). Collection method: clinical testing. Allele origin: germline.
Comment: This sequence change replaces arginine, which is basic and polar, with histidine, which is basic and polar, at codon 742 of the TERT protein (p.Arg742His). This variant is not present in population databases (gnomAD no frequency). This missense change has been observed in individual(s) with pulmonary fibrosis and inherited bone marrow failure syndrome (PMID: 28099038, 30995915, 33718801). ClinVar contains an entry for this variant (Variation ID: 165378). Invitae Evidence Modeling of protein sequence and biophysical properties (such as structural, functional, and spatial information, amino acid conservation, physicochemical variation, residue mobility, and thermodynamic stability) indicates that this missense variant is expected to disrupt TERT protein function with a positive predictive value of 95%. In summary, the available evidence is currently insufficient to determine the role of this variant in disease. Therefore, it has been classified as a Variant of Uncertain Significance.

Blueprint Genetics
Classification: Pathogenic for TERT-related disorders. Last evaluated: 2024-03-18. Review status: criteria provided, single submitter. Criteria: ACMG Guidelines, 2015. Collection method: clinical testing. Allele origin: germline. Affected: yes. Observed: 2 variant alleles.

GeneDx
Classification: Uncertain significance. Last evaluated: 2020-06-30. Review status: criteria provided, single submitter. Criteria: GeneDx Variant Classification Process June 2021. Collection method: clinical testing. Allele origin: germline. Affected: yes.
Comment: Not observed in large population cohorts (Lek et al., 2016); In silico analysis supports that this missense variant has a deleterious effect on protein structure/function; This variant is associated with the following publications: (PMID: 28099038, 25393420, 30995915)

Mayo Clinic Laboratories, Mayo Clinic
Classification: Uncertain significance. Last evaluated: 2019-11-24. Review status: criteria provided, single submitter. Criteria: ACMG Guidelines, 2015. Collection method: clinical testing. Allele origin: germline. Observed: 1 variant allele.

Ambry Genetics
Classification: Uncertain significance for Dyskeratosis congenita. Last evaluated: 2016-10-21. Review status: criteria provided, single submitter. Criteria: Ambry Variant Classification Scheme 2023. Collection method: clinical testing. Allele origin: germline.
Comment: The p.R742H variant (also known as c.2225G>A), located in coding exon 6 of the TERT gene, results from a G to A substitution at nucleotide position 2225. The arginine at codon 742 is replaced by histidine, an amino acid with highly similar properties. This variant was not reported in population based cohorts in the following databases: Database of Single Nucleotide Polymorphisms (dbSNP), NHLBI Exome Sequencing Project (ESP), and 1000 Genomes Project. In the ESP, this variant was not observed in 6503 samples (13006 alleles) with coverage at this position. This amino acid position is highly conserved in available vertebrate species. In addition, this alteration is predicted to be deleterious by in silico analysis. Since supporting evidence is limited at this time, the clinical significance of this alteration remains unclear.

Laboratory for Molecular Medicine, Mass General Brigham Personalized Medicine
Classification: Uncertain significance. Last evaluated: 2014-08-19. Review status: criteria provided, single submitter. Criteria: LMM Criteria. Collection method: clinical testing. Allele origin: germline. Observed: 1 variant allele.
Comment: The Arg742His variant in TERT has not been previously identified in individuals with pulmonary disease or in large population studies. Computation tools (bioche mical amino acid properties, conservation, AlignGVGD, PolyPhen-2, and SIFT) do n ot provide strong support for or against an impact to the protein. In summary, a dditional information is needed to fully assess the clinical significance of the Arg742His variant.

Garcia Pulmonary Genetics Research Laboratory, Columbia University Irving Medical Center
Classification: Likely risk allele for Pulmonary fibrosis. Last evaluated: 2022-06-09. Review status: no assertion criteria provided. Collection method: research. Allele origin: germline. Affected: yes. Not counted in ClinVar's aggregate classification.
Comment: Leukocyte telomere length (by qPCR) less than 10th percentile age-adjusted

Literature cited by the submitters: PubMed 28099038 (cited by Variantyx, Inc. and Labcorp Genetics (formerly Invitae), Labcorp); PubMed 33718801 (cited by Variantyx, Inc. and Labcorp Genetics (formerly Invitae), Labcorp); PubMed 25393420 (cited by Variantyx, Inc.); PubMed 30995915 (cited by Labcorp Genetics (formerly Invitae), Labcorp).

NM_198253.3(TERT):c.2225G>A (p.Arg742His)

Gene: TERT (telomerase reverse transcriptase; minus strand). Cytogenetic location: 5p15.33.
Variant type: single nucleotide variant.
Coding change: c.2225G>A on transcript NM_198253.3 (MANE Select); coding-DNA position 2225, G replaced by A.
Protein change: p.Arg742His; replaces arginine 742 with histidine.
Molecular consequence: missense variant. On other transcripts: non-coding transcript variant (2).
Genome position (GRCh38, 1-based): chr5:1,278,702, C>T on the plus strand (G>A on the coding strand, the complement: TERT is on the minus strand). VCF-style: chr5-1278702-C-T. GRCh37 (hg19) VCF-style: chr5-1278817-C-T.
Other names: c.2225G>A, p.Arg742His (NM_001193376.3); short protein forms R742H.
Identifiers: ClinVar variation 165378 (VCV000165378.53), dbSNP rs727503468, ClinGen allele CA178131.